The following is an entry in ClinVar:

ClinVar aggregate classification (germline): Likely benign (1 of 4 stars; one submission).

gnomAD v4.1: 618 of 1,614,138 alleles (0.038%); highest among the groups gnomAD compares: African/African-American, 0.044%; 3 homozygotes.

Submission:

CeGaT Center for Human Genetics Tuebingen
Classification: Likely benign. Last evaluated: 2025-06-01. Review status: criteria provided, single submitter. Criteria: CeGaT Center For Human Genetics Tuebingen Variant Classification Criteria Version 2. Collection method: clinical testing. Allele origin: germline. Affected: yes. Observed: 1 variant allele.
Comment: ZMYND8: BP4, BP7, BS1

NM_001281775.3(ZMYND8):c.837T>C (p.Tyr279=)

Gene: ZMYND8 (zinc finger MYND-type containing 8; minus strand). Cytogenetic location: 20q13.12.
Variant type: single nucleotide variant.
Coding change: c.837T>C on transcript NM_001281775.3 (MANE Select); coding-DNA position 837, T replaced by C.
Protein change: p.Tyr279=; no amino-acid change (tyrosine 279 retained).
Molecular consequence: synonymous variant.
Genome position (GRCh38, 1-based): chr20:47,283,616, A>G on the plus strand (T>C on the coding strand, the complement: ZMYND8 is on the minus strand). VCF-style: chr20-47283616-A-G. GRCh37 (hg19) VCF-style: chr20-45912360-A-G.
Other names: c.762T>C, p.Tyr254= (NM_001281771.3, NM_001281777.3, NM_001281778.3 and 4 more transcripts); c.777T>C, p.Tyr259= (NM_001281772.3, NM_001281773.3, NM_001281774.3 and 1 more transcripts); c.837T>C, p.Tyr279= (NM_001281776.3, NM_001281783.3, NM_012408.6 and 1 more transcripts); c.33T>C, p.Tyr11= (NM_001281779.3, NM_001281780.3); c.858T>C, p.Tyr286= (NM_001363714.1).
Identifiers: ClinVar variation 3905139 (VCV003905139.10).